The following is an entry in ClinVar:

ClinVar aggregate classification (germline): Uncertain significance (1 of 4 stars; one submission).

Conditions:
Neuromuscular disease caused by qualitative or quantitative defects of dysferlin. Also called: Dysferlinopathy; Qualitative or quantitative defects of dysferlin. Identifiers: Orphanet 207073, MedGen C2931687, MONDO:0016145.

Allele frequency attached by ClinVar (database versions not stated): ExAC 0.00001; gnomAD exomes 0.00001.
gnomAD v4.1: 9 of 1,613,854 alleles (0.00056%); highest among the groups gnomAD compares: South Asian, 0.0011%; no homozygotes.

Submission:

Labcorp Genetics (formerly Invitae), Labcorp
Classification: Uncertain significance for Neuromuscular disease caused by qualitative or quantitative defects of dysferlin. Last evaluated: 2025-08-18. Review status: criteria provided, single submitter. Criteria: Invitae Variant Classification Sherloc (09022015). Collection method: clinical testing. Allele origin: germline.
Comment: This sequence change replaces asparagine, which is neutral and polar, with lysine, which is basic and polar, at codon 47 of the DYSF protein (p.Asn47Lys). This variant is present in population databases (rs760852479, gnomAD 0.003%). This variant has not been reported in the literature in individuals affected with DYSF-related conditions. ClinVar contains an entry for this variant (Variation ID: 2156283). Invitae Evidence Modeling of protein sequence and biophysical properties (such as structural, functional, and spatial information, amino acid conservation, physicochemical variation, residue mobility, and thermodynamic stability) indicates that this missense variant is not expected to disrupt DYSF protein function with a negative predictive value of 95%. In summary, the available evidence is currently insufficient to determine the role of this variant in disease. Therefore, it has been classified as a Variant of Uncertain Significance.

NM_001130987.2(DYSF):c.144T>A (p.Asn48Lys)

Gene: DYSF (dysferlin; plus strand). Cytogenetic location: 2p13.2.
Variant type: single nucleotide variant.
Coding change: c.144T>A on transcript NM_001130987.2 (MANE Select); coding-DNA position 144, T replaced by A.
Protein change: p.Asn48Lys; replaces asparagine 48 with lysine.
Molecular consequence: missense variant.
Genome position (GRCh38, 1-based): chr2:71,480,935, T>A. VCF-style: chr2-71480935-T-A. GRCh37 (hg19) VCF-style: chr2-71708065-T-A.
Other names: c.144T>A, p.Asn48Lys (NM_001130455.2, NM_001130982.2, NM_001130983.2 and 3 more transcripts); c.141T>A, p.Asn47Lys (NM_001130976.2, NM_001130977.2, NM_001130978.2 and 4 more transcripts); short protein forms N47K, N48K.
Identifiers: ClinVar variation 2156283 (VCV002156283.4), dbSNP rs760852479, ClinGen allele CA1705233.